The following is an entry in ClinVar:

NM_004385.5(VCAN):c.1891A>G (p.Ile631Val)

Gene: VCAN (versican; plus strand). Cytogenetic location: 5q14.3.
Variant type: single nucleotide variant.
Coding change: c.1891A>G on transcript NM_004385.5 (MANE Select); coding-DNA position 1891, A replaced by G.
Protein change: p.Ile631Val; replaces isoleucine 631 with valine.
Molecular consequence: missense variant. On other transcripts: intron variant (2).
Genome position (GRCh38, 1-based): chr5:83,520,197, A>G. VCF-style: chr5-83520197-A-G. GRCh37 (hg19) VCF-style: chr5-82816016-A-G.
Other names: c.1891A>G, p.Ile631Val (NM_001164098.2); c.1042+7801A>G (NM_001164097.2, NM_001126336.3); short protein forms I631V.
Identifiers: ClinVar variation 1398850 (VCV001398850.8), dbSNP rs1561243813, ClinGen allele CA360302094.
Genomic context (GRCh38, chr5:83,520,197, plus strand): 5'-ATGCCTGATAATAATGGATCATCCATGGATGACTGGGAAGAGAGACAAACTAGTGGTAGG[A>G]TAACGGAAGAGTTTCTTGGCAAATATCTGTCTACTACACCTTTTCCATCACAGCATCGTA-3'
Protein context (NP_004376.2, residues 621-641): DWEERQTSGR[Ile631Val]TEEFLGKYLS

ClinVar aggregate classification (germline): Uncertain significance (1 of 4 stars; one submission).

Allele frequency attached by ClinVar (database versions not stated): gnomAD exomes below 0.00001.
gnomAD v4.1: 1 of 1,614,086 alleles (0.000062%); highest among the groups gnomAD compares: Admixed American, 0.0017%; no homozygotes.

Submission:

Labcorp Genetics (formerly Invitae), Labcorp
Classification: Uncertain significance. Last evaluated: 2025-09-24. Review status: criteria provided, single submitter. Criteria: Invitae Variant Classification Sherloc (09022015). Collection method: clinical testing. Allele origin: germline.
Comment: This sequence change replaces isoleucine, which is neutral and non-polar, with valine, which is neutral and non-polar, at codon 631 of the VCAN protein (p.Ile631Val). This variant is not present in population databases (gnomAD no frequency). This variant has not been reported in the literature in individuals affected with VCAN-related conditions. ClinVar contains an entry for this variant (Variation ID: 1398850). An algorithm developed to predict the effect of missense changes on protein structure and function outputs the following: PolyPhen-2: "Benign". The valine amino acid residue is found in multiple mammalian species, which suggests that this missense change does not adversely affect protein function. In summary, the available evidence is currently insufficient to determine the role of this variant in disease. Therefore, it has been classified as a Variant of Uncertain Significance.